The following is an entry in ClinVar:

NM_001008212.2(OPTN):c.200G>A (p.Gly67Glu)

Genes: OPTN (optineurin; plus strand), LOC108903148 (10p13 OPTN distal Alu-mediated recombination region; plus strand). Cytogenetic location: 10p13.
Variant type: single nucleotide variant.
Coding change: c.200G>A on transcript NM_001008212.2 (MANE Select); coding-DNA position 200, G replaced by A.
Protein change: p.Gly67Glu; replaces glycine 67 with glutamic acid.
Molecular consequence: missense variant.
Genome position (GRCh38, 1-based): chr10:13,110,307, G>A. VCF-style: chr10-13110307-G-A. GRCh37 (hg19) VCF-style: chr10-13152307-G-A.
Other names: c.200G>A, p.Gly67Glu (NM_001008211.1, NM_001008213.1, NM_021980.4); short protein forms G67E.
Identifiers: ClinVar variation 2158305 (VCV002158305.4), dbSNP rs959069574, ClinGen allele CA203255155.

ClinVar aggregate classification (germline): Uncertain significance (1 of 4 stars; one submission).

Conditions:
Primary open angle glaucoma (POAG). Also called: OPTN-related open angle glaucoma. Identifiers: MedGen C0339573, MONDO:0100553, OMIM 137760.
Amyotrophic lateral sclerosis type 12 (ALS12). Also called: AMYOTROPHIC LATERAL SCLEROSIS 12 WITH OR WITHOUT FRONTOTEMPORAL DEMENTIA. Identifiers: Orphanet 803, MedGen C3150692, MONDO:0013264, OMIM 613435.
Glaucoma 1, open angle, E. Identifiers: MedGen C1842026, MONDO:0007665.

Allele frequency attached by ClinVar (database versions not stated): gnomAD 0.00001; gnomAD exomes 0.00001; TOPMed 0.00002.
gnomAD v4.1: 22 of 1,613,966 alleles (0.0014%); highest among the groups gnomAD compares: Non-Finnish European, 0.0017%; no homozygotes.

Submission:

Labcorp Genetics (formerly Invitae), Labcorp
Classification: Uncertain significance for Primary open angle glaucoma; Glaucoma 1, open angle, E; Amyotrophic lateral sclerosis type 12. Last evaluated: 2022-04-25. Review status: criteria provided, single submitter. Criteria: Invitae Variant Classification Sherloc (09022015). Collection method: clinical testing. Allele origin: germline.
Comment: This sequence change replaces glycine, which is neutral and non-polar, with glutamic acid, which is acidic and polar, at codon 67 of the OPTN protein (p.Gly67Glu). This variant is not present in population databases (gnomAD no frequency). This variant has not been reported in the literature in individuals affected with OPTN-related conditions. Algorithms developed to predict the effect of missense changes on protein structure and function are either unavailable or do not agree on the potential impact of this missense change (SIFT: "Tolerated"; PolyPhen-2: "Possibly Damaging"; Align-GVGD: "Class C0"). In summary, the available evidence is currently insufficient to determine the role of this variant in disease. Therefore, it has been classified as a Variant of Uncertain Significance.